The following is an entry in ClinVar:

ClinVar aggregate classification (germline): Uncertain significance. Review status: criteria provided, multiple submitters, no conflicts (2 of 4 stars). 5 submissions from 5 submitters: Uncertain significance (4). 1 of the submissions does not count toward it. Last evaluated 2024-06-25.

Conditions:
Fanconi anemia complementation group A (FANCA). Also called: FANCA-Related Fanconi Anemia; Fanconi anemia, group A. Identifiers: Orphanet 84, MedGen C3469521, MONDO:0009215, OMIM 227650.
Fanconi anemia (FA). Also called: Fanconi's anemia. Identifiers: Orphanet 84, MedGen C0015625, MeSH D005199, MONDO:0019391.

Allele frequency attached by ClinVar (database versions not stated): ExAC 0.00001; gnomAD 0.00001 and 0.00002; gnomAD exomes 0.00001; TOPMed 0.00002.
gnomAD v4.1: 15 of 1,613,866 alleles (0.00093%); highest among the groups gnomAD compares: Non-Finnish European, 0.0012%; no homozygotes.

Submissions (5):

Blueprint Genetics
Classification: Uncertain significance. Last evaluated: 2024-06-25. Review status: criteria provided, single submitter. Criteria: ACMG Guidelines, 2015. Collection method: clinical testing. Allele origin: germline.

Labcorp Genetics (formerly Invitae), Labcorp
Classification: Uncertain significance for Fanconi anemia. Last evaluated: 2024-04-09. Review status: criteria provided, single submitter. Criteria: Invitae Variant Classification Sherloc (09022015). Collection method: clinical testing. Allele origin: germline.
Comment: This sequence change replaces phenylalanine, which is neutral and non-polar, with serine, which is neutral and polar, at codon 603 of the FANCA protein (p.Phe603Ser). This variant is present in population databases (rs766939940, gnomAD 0.002%). This variant has not been reported in the literature in individuals affected with FANCA-related conditions. ClinVar contains an entry for this variant (Variation ID: 654516). Advanced modeling of protein sequence and biophysical properties (such as structural, functional, and spatial information, amino acid conservation, physicochemical variation, residue mobility, and thermodynamic stability) performed at Invitae indicates that this missense variant is expected to disrupt FANCA protein function with a positive predictive value of 80%. In summary, the available evidence is currently insufficient to determine the role of this variant in disease. Therefore, it has been classified as a Variant of Uncertain Significance.

Fulgent Genetics
Classification: Uncertain significance for Fanconi anemia complementation group A. Last evaluated: 2021-09-15. Review status: criteria provided, single submitter. Criteria: ACMG Guidelines, 2015. Collection method: clinical testing. Allele origin: unknown.

Genetic Services Laboratory, University of Chicago
Classification: Uncertain significance. Last evaluated: 2021-01-11. Review status: criteria provided, single submitter. Criteria: ACMG Guidelines, 2015. Collection method: clinical testing. Allele origin: germline. Affected: no.
Comment: DNA sequence analysis of the FANCA gene demonstrated a sequence change, c.1808T>C, in exon 20 that results in an amino acid change, p.Phe603Ser. This sequence change does not appear to have been previously described in individuals with FANCA-related disorders and has been described in the gnomAD database in two individuals with an overall population frequency of 0.0008% (dbSNP rs766939940). The p.Phe603Ser change affects a moderately conserved amino acid residue located in a domain of the FANCA protein that is not known to be functional. The p.Phe603Ser substitution appears to be deleterious using several in-silico pathogenicity prediction tools (SIFT, PolyPhen2, Align GVGD, REVEL). Due to these contrasting evidences and the lack of functional studies, the clinical significance of the p.Phe603Ser change remains unknown at this time.

Natera, Inc.
Classification: Uncertain significance for Fanconi anemia. Last evaluated: 2020-03-16. Review status: no assertion criteria provided. Collection method: clinical testing. Allele origin: germline. Not counted in ClinVar's aggregate classification.

NM_000135.4(FANCA):c.1808T>C (p.Phe603Ser)

Gene: FANCA (FA complementation group A; minus strand). Cytogenetic location: 16q24.3.
Variant type: single nucleotide variant.
Coding change: c.1808T>C on transcript NM_000135.4 (MANE Select); coding-DNA position 1808, T replaced by C.
Protein change: p.Phe603Ser; replaces phenylalanine 603 with serine.
Molecular consequence: missense variant.
Genome position (GRCh38, 1-based): chr16:89,778,819, A>G on the plus strand (T>C on the coding strand, the complement: FANCA is on the minus strand). VCF-style: chr16-89778819-A-G. GRCh37 (hg19) VCF-style: chr16-89845227-A-G.
Other names: c.1808T>C (LRG_495t1); c.1808T>C, p.Phe603Ser (NM_001286167.3); short protein forms F603S.
Identifiers: ClinVar variation 654516 (VCV000654516.16), dbSNP rs766939940, ClinGen allele CA8252060.